The following is an entry in ClinVar:

NM_000246.4(CIITA):c.919T>G (p.Ser307Ala)

Gene: CIITA (class II major histocompatibility complex transactivator; plus strand). Cytogenetic location: 16p13.13.
Variant type: single nucleotide variant.
Coding change: c.919T>G on transcript NM_000246.4 (MANE Select); coding-DNA position 919, T replaced by G.
Protein change: p.Ser307Ala; replaces serine 307 with alanine.
Molecular consequence: missense variant. On other transcripts: non-coding transcript variant (1).
Genome position (GRCh38, 1-based): chr16:10,903,877, T>G. VCF-style: chr16-10903877-T-G. GRCh37 (hg19) VCF-style: chr16-10997734-T-G.
Other names: c.922T>G, p.Ser308Ala (NM_001286402.1, NM_001379332.1); c.772T>G, p.Ser258Ala (NM_001286403.2, NM_001379331.1); c.775T>G, p.Ser259Ala (NM_001379330.1); c.919T>G, p.Ser307Ala (NM_001379333.1); c.850T>G, p.Ser284Ala (NM_001379334.1); short protein forms S258A, S259A, S284A, S307A, S308A.
Identifiers: ClinVar variation 4848010 (VCV004848010.1).
Genomic context (GRCh38, chr16:10,903,877, plus strand): 5'-ACCAGCCCCTTCGCTCCATCAGCCACTGACCTGCCCAGCATGCCTGAACCTGCCCTGACC[T>G]CCCGAGCAAACATGACAGGTAAGGACCCTTAGGGCCTGTGAGAGGTACTAGAAGCAGGAT-3'
Protein context (NP_000237.2, residues 297-317): LPSMPEPALT[Ser307Ala]RANMTEHKTS

ClinVar aggregate classification (germline): Uncertain significance (1 of 4 stars; one submission).

Submission:

Women's Health and Genetics/Laboratory Corporation of America, LabCorp
Classification: Uncertain significance. Last evaluated: 2026-02-06. Review status: criteria provided, single submitter. Criteria: LabCorp Variant Classification Summary - May 2015. Collection method: clinical testing. Allele origin: germline.
Comment: Variant summary: CIITA c.919T>G (p.Ser307Ala) results in a conservative amino acid change in the encoded protein sequence. Algorithms developed to predict the effect of missense changes on protein structure and function all suggest that this variant is likely to be tolerated. The variant was absent in 251458 control chromosomes. The available data on variant occurrences in the general population are insufficient to allow any conclusion about variant significance. To our knowledge, no occurrence of c.919T>G in individuals affected with CIITA-related conditions and no experimental evidence demonstrating its impact on protein function have been reported. No submitters have cited clinical-significance assessments for this variant to ClinVar. Based on the evidence outlined above, the variant was classified as uncertain significance.